The following is an entry in ClinVar:

NM_001387850.1(FILIP1L):c.504T>C (p.Arg168=)

Genes: CMSS1 (cms1 ribosomal small subunit homolog; plus strand), FILIP1L (filamin A interacting protein 1 like; minus strand), LOC105374010 (uncharacterized LOC105374010; plus strand). Cytogenetic location: 3q12.1.
Variant type: single nucleotide variant.
Coding change: c.504T>C on transcript NM_001387850.1 (MANE Select); coding-DNA position 504, T replaced by C.
Protein change: p.Arg168=; no amino-acid change (arginine 168 retained).
Molecular consequence: synonymous variant. On other transcripts: intron variant (1).
Genome position (GRCh38, 1-based): chr3:99,924,331, A>G on the plus strand (T>C on the coding strand, the complement: FILIP1L is on the minus strand). VCF-style: chr3-99924331-A-G. GRCh37 (hg19) VCF-style: chr3-99643175-A-G.
Other names: c.504T>C, p.Arg168= (NM_001042459.3, NM_001387852.1, NM_182909.4); c.64+106288A>G (NM_032359.4).
Identifiers: ClinVar variation 3050264 (VCV003050264.2), dbSNP rs201828035, ClinGen allele CA2513757.
Genomic context (GRCh38, chr3:99,924,331, plus strand): 5'-CTTCTCCATGTATTCTTTATGTTTTCTCTTTTCTTCCTCCAACTCCAATATGGTTTGCCT[A>G]CGGGATTTTTCTGCCACTAAAAGCTGTCCCAGGATTCGTCTGTAAGATTCTTTATGTTTT-3'
Protein context (NP_001374779.1, residues 158-178): LGQLLVAEKS[Arg168=]RQTILELEEE

ClinVar aggregate classification (germline): Likely benign (0 of 4 stars; one submission).

Conditions:
FILIP1L-related disorder. Also called: FILIP1L-related condition.

Allele frequency attached by ClinVar (database versions not stated): ESP Exome Variant Server 0.00034; gnomAD exomes 0.00049; ExAC 0.00031; TOPMed 0.00031; gnomAD 0.00032; 1000 Genomes Project 30x 0.00016; 1000 Genomes Project 0.00020.
gnomAD v4.1: 784 of 1,614,068 alleles (0.049%); highest among the groups gnomAD compares: Non-Finnish European, 0.062%; 1 homozygote.

Submission:

PreventionGenetics, part of Exact Sciences
Classification: Likely benign for FILIP1L-related condition. Last evaluated: 2019-07-11. Review status: no assertion criteria provided. Collection method: clinical testing. Allele origin: germline.
Comment: This variant is classified as likely benign based on ACMG/AMP sequence variant interpretation guidelines (Richards et al. 2015 PMID: 25741868, with internal and published modifications).